The following is an entry in ClinVar:

ClinVar aggregate classification (germline): Pathogenic, low penetrance (1 of 4 stars; one submission).

Conditions:
Atypical hemolytic-uremic syndrome. Identifiers: Orphanet 2134, MedGen C2931788, MONDO:0016244.

Submission:

Genomenon, Inc
Classification: Pathogenic, low penetrance for Atypical hemolytic-uremic syndrome. Last evaluated: 2025-09-26. Review status: criteria provided, single submitter. Criteria: Genomenon Sequence Variant Interpretation Standards - Updated. Collection method: curation. Allele origin: germline. Affected: yes.
Comment: DGKE p.Val276PhefsTer8 (c.826del) is a frameshift variant that results in the production of a truncated protein which is predicted to undergo nonsense-mediated mRNA decay. This variant has been observed in at least one proband affected with atypical hemolytic-uremic syndrome (PMID:32386968). It is absent or not present at a significant frequency in gnomAD. In conclusion, we classify DGKE p.Val276PhefsTer8 (c.826del) as a pathogenic, low penetrance variant.

Literature cited by the submitters: PubMed 32386968.

NM_003647.3(DGKE):c.826del (p.Val276fs)

Gene: DGKE (diacylglycerol kinase epsilon; plus strand). Cytogenetic location: 17q22.
Variant type: Deletion.
Coding change: c.826del on transcript NM_003647.3 (MANE Select); coding-DNA position 826, one base deleted (G; older notation c.826delG).
Protein change: p.Val276fs; shifts the reading frame from valine 276.
Molecular consequence: frameshift variant.
Genome position (GRCh38, 1-based): chr17:56,848,003, G deleted. VCF-style (leftmost placement, unchanged base first): chr17-56848002-TG-T. GRCh37 (hg19) VCF-style: chr17-54925363-TG-T.
Other names: short protein forms V276fs.
Identifiers: ClinVar variation 4280367 (VCV004280367.1).
Genomic context (GRCh38, chr17:56,848,002, plus strand): 5'-TCCTCCTATCAAAGCCCTACAACTCTGTACTCTTCTCCCATATTATTCAGCTCGAGTACT[TG>T]TTTGTGGAGGGGATGGGACTGTAGGGTGGGTCCTGGATGCAGTTGATGACATGAAGATTA-3'